The following is an entry in ClinVar:

NC_012920.1(MT-CO1):m.7187A>T

Gene: MT-CO1 (mitochondrially encoded cytochrome c oxidase I; plus strand).
Variant type: single nucleotide variant.
Genome position: chrM-7187-A-T.
Identifiers: ClinVar variation 692715 (VCV000692715.1), dbSNP rs1603220823, ClinGen allele CA414791797.

ClinVar aggregate classification (germline): Uncertain significance (1 of 4 stars; one submission).

Conditions:
Leigh syndrome (NULS). Also called: Leigh's necrotizing encephalopathy; Leigh's disease; Leigh Syndrome (mtDNA deletion); Leigh Disease; Subacute necrotizing encephalopathy; Necrotizing encephalopathy infantile subacute of Leigh. Identifiers: Orphanet 506, MedGen C2931891, MONDO:0009723, OMIM 256000.

Submission:

Wong Mito Lab, Molecular and Human Genetics, Baylor College of Medicine
Classification: Uncertain significance for Leigh syndrome. Last evaluated: 2019-10-17. Review status: criteria provided, single submitter. Criteria: Modified ACMG Guidelines (Unpublished). Collection method: clinical testing. Allele origin: germline.
Comment: The NC_012920.1:m.7187A>T (YP_003024028.1:p.Gln428His) variant in MTCO1 gene is interpretated to be a Uncertain Significance variant based on the modified ACMG guidelines (unpublished). This variant meets the following evidence codes: PP3, PP6, PP7